The following is an entry in ClinVar:

ClinVar aggregate classification (germline): Pathogenic (1 of 4 stars; one submission).

Conditions:
Cardiovascular phenotype. Identifiers: MedGen CN230736.
Hereditary cancer-predisposing syndrome. Also called: Neoplastic Syndromes, Hereditary; Hereditary Cancer Syndrome; Tumor predisposition; Hereditary neoplastic syndrome. Identifiers: Orphanet 140162, MedGen C0027672, MeSH D009386, MONDO:0015356.

Allele frequency attached by ClinVar (database versions not stated): gnomAD exomes below 0.00001.

Submission:

Ambry Genetics
Classification: Pathogenic for Cardiovascular phenotype; Hereditary cancer-predisposing syndrome. Last evaluated: 2023-02-26. Review status: criteria provided, single submitter. Criteria: Ambry Variant Classification Scheme 2023. Collection method: clinical testing. Allele origin: germline.
Comment: The p.K101* pathogenic mutation (also known as c.301A>T), located in coding exon 3 of the LZTR1 gene, results from an A to T substitution at nucleotide position 301. This changes the amino acid from a lysine to a stop codon within coding exon 3. This alteration is expected to result in loss of function by premature protein truncation or nonsense-mediated mRNA decay. Loss-of-function variants in LZTR1 are related to an increased risk for schwannomas and autosomal recessive Noonan syndrome; however, such associations with autosomal dominant Noonan syndrome have not been observed (Piotrowski A et al. Nat Genet. 2014 Feb;46:182-7; Yamamoto GL et al. J Med Genet. 2015 Jun;52:413-21; Johnston JJ et al. Genet Med. 2018 10;20:1175-1185). Based on the supporting evidence, this variant is pathogenic for an increased risk of LZTR1-related schwannomatosis (SWN) and would be expected to cause autosomal recessive Noonan syndrome when present along with a second pathogenic or likely pathogenic variant on the other allele; however, the association of this alteration with autosomal dominant Noonan syndrome is unlikely.

NM_006767.4(LZTR1):c.301A>T (p.Lys101Ter)

Gene: LZTR1 (leucine zipper like post translational regulator 1; plus strand). Cytogenetic location: 22q11.21.
Variant type: single nucleotide variant.
Coding change: c.301A>T on transcript NM_006767.4 (MANE Select); coding-DNA position 301, A replaced by T.
Protein change: p.Lys101Ter; replaces lysine 101 with a stop codon.
Molecular consequence: nonsense.
Genome position (GRCh38, 1-based): chr22:20,985,878, A>T. VCF-style: chr22-20985878-A-T. GRCh37 (hg19) VCF-style: chr22-21340167-A-T.
Other names: short protein forms K101*.
Identifiers: ClinVar variation 2447754 (VCV002447754.2), dbSNP rs2518610661, ClinGen allele CA410778864.